The following is an entry in ClinVar:

ClinVar aggregate classification (germline): Uncertain significance (1 of 4 stars; one submission).

Conditions:
Methylcobalamin deficiency type cblG (HMAG). Also called: Functional methionine synthase deficiency type cblG; HOMOCYSTINURIA-MEGALOBLASTIC ANEMIA DUE TO DEFECT IN COBALAMIN METABOLISM, cblG COMPLEMENTATION TYPE; HOMOCYSTINURIA-MEGALOBLASTIC ANEMIA, cblG COMPLEMENTATION TYPE; HOMOCYSTINURIA-MEGALOBLASTIC ANEMIA, cblG TYPE. Identifiers: Orphanet 2170, Orphanet 622, MedGen C1855128, MONDO:0009609, OMIM 250940.

Allele frequency attached by ClinVar (database versions not stated): gnomAD exomes 0.00001; gnomAD 0.00002; TOPMed 0.00003.
gnomAD v4.1: 14 of 1,604,502 alleles (0.00087%); highest among the groups gnomAD compares: African/African-American, 0.0053%; no homozygotes.

Submission:

Labcorp Genetics (formerly Invitae), Labcorp
Classification: Uncertain significance for Methylcobalamin deficiency type cblG. Last evaluated: 2025-09-22. Review status: criteria provided, single submitter. Criteria: Invitae Variant Classification Sherloc (09022015). Collection method: clinical testing. Allele origin: germline.
Comment: This sequence change replaces valine, which is neutral and non-polar, with isoleucine, which is neutral and non-polar, at codon 1160 of the MTR protein (p.Val1160Ile). The frequency data for this variant in the population databases is considered unreliable, as metrics indicate poor data quality at this position in the gnomAD database. This variant has not been reported in the literature in individuals affected with MTR-related conditions. ClinVar contains an entry for this variant (Variation ID: 2182813). Invitae Evidence Modeling of protein sequence and biophysical properties (such as structural, functional, and spatial information, amino acid conservation, physicochemical variation, residue mobility, and thermodynamic stability) indicates that this missense variant is not expected to disrupt MTR protein function with a negative predictive value of 95%. In summary, the available evidence is currently insufficient to determine the role of this variant in disease. Therefore, it has been classified as a Variant of Uncertain Significance.

NM_000254.3(MTR):c.3478G>A (p.Val1160Ile)

Gene: MTR (5-methyltetrahydrofolate-homocysteine methyltransferase; plus strand). Cytogenetic location: 1q43.
Variant type: single nucleotide variant.
Coding change: c.3478G>A on transcript NM_000254.3 (MANE Select); coding-DNA position 3478, G replaced by A.
Protein change: p.Val1160Ile; replaces valine 1160 with isoleucine.
Molecular consequence: missense variant.
Genome position (GRCh38, 1-based): chr1:236,895,430, G>A. VCF-style: chr1-236895430-G-A. GRCh37 (hg19) VCF-style: chr1-237058730-G-A.
Other names: c.3325G>A, p.Val1109Ile (NM_001291939.1); c.2257G>A, p.Val753Ile (NM_001291940.2); c.3289G>A, p.Val1097Ile (NM_001410942.1); short protein forms V1097I, V1109I, V753I, V1160I.
Identifiers: ClinVar variation 2182813 (VCV002182813.2), dbSNP rs1159496738, ClinGen allele CA345390010.